The following is an entry in ClinVar:

ClinVar aggregate classification (germline): Uncertain significance (1 of 4 stars; one submission).

Conditions:
Immunodeficiency 36 with lymphoproliferation. Also called: ACTIVATED PI3K-DELTA SYNDROME 2; Activated PI3K Delta Syndrome Type 2 (APDS2); Immunodeficiency 36. Identifiers: Orphanet 397596, Orphanet 693681, MedGen C4014934, MONDO:0014453, OMIM 616005.
Agammaglobulinemia 7, autosomal recessive (AGM7). Also called: AGAMMAGLOBULINEMIA, AUTOSOMAL RECESSIVE, DUE TO PIK3R1 DEFECT. Identifiers: MedGen C3554689, MONDO:0014083, OMIM 615214.
SHORT syndrome. Also called: PIK3R1-Related SHORT Syndrome; SHORT STATURE, HYPEREXTENSIBILITY, HERNIA, OCULAR DEPRESSION, RIEGER ANOMALY, AND TEETHING DELAY; LIPODYSTROPHY, PARTIAL, WITH RIEGER ANOMALY AND SHORT STATURE. Identifiers: Orphanet 3163, MedGen C0878684, MONDO:0010026, OMIM 269880.

Submission:

Labcorp Genetics (formerly Invitae), Labcorp
Classification: Uncertain significance for SHORT syndrome; Immunodeficiency 36 with lymphoproliferation; Agammaglobulinemia 7, autosomal recessive. Last evaluated: 2022-07-24. Review status: criteria provided, single submitter. Criteria: Invitae Variant Classification Sherloc (09022015). Collection method: clinical testing. Allele origin: germline.
Comment: In summary, the available evidence is currently insufficient to determine the role of this variant in disease. Therefore, it has been classified as a Variant of Uncertain Significance. Algorithms developed to predict the effect of missense changes on protein structure and function (SIFT, PolyPhen-2, Align-GVGD) all suggest that this variant is likely to be tolerated. This variant has not been reported in the literature in individuals affected with PIK3R1-related conditions. This variant is not present in population databases (gnomAD no frequency). This sequence change replaces threonine, which is neutral and polar, with isoleucine, which is neutral and non-polar, at codon 114 of the PIK3R1 protein (p.Thr114Ile).

NM_181523.3(PIK3R1):c.341C>T (p.Thr114Ile)

Gene: PIK3R1 (phosphoinositide-3-kinase regulatory subunit 1; plus strand). Cytogenetic location: 5q13.1.
Variant type: single nucleotide variant.
Coding change: c.341C>T on transcript NM_181523.3 (MANE Select); coding-DNA position 341, C replaced by T.
Protein change: p.Thr114Ile; replaces threonine 114 with isoleucine.
Molecular consequence: missense variant.
Genome position (GRCh38, 1-based): chr5:68,273,396, C>T. VCF-style: chr5-68273396-C-T. GRCh37 (hg19) VCF-style: chr5-67569224-C-T.
Other names: short protein forms T114I.
Identifiers: ClinVar variation 1713680 (VCV001713680.6), dbSNP rs1339235386, ClinGen allele CA359872524.
Genomic context (GRCh38, chr5:68,273,396, plus strand): 5'-TAATGCATTCAACTATCCAAATTAAATACAATGGTGGGATTTTGTTGTTTGCAGCTTTGA[C>T]TCTCCCGGATCTTGCAGAGCAGTTTGCCCCTCCTGACATTGCCCCGCCTCTTCTTATCAA-3'
Protein context (NP_852664.1, residues 104-124): TEADVEQQAL[Thr114Ile]LPDLAEQFAP